The following is an entry in ClinVar:

ClinVar aggregate classification (germline): Uncertain significance (1 of 4 stars; one submission).

gnomAD v4.1: 21 of 1,613,468 alleles (0.0013%); highest among the groups gnomAD compares: Middle Eastern, 0.016%; no homozygotes.

Submission:

Labcorp Genetics (formerly Invitae), Labcorp
Classification: Uncertain significance. Last evaluated: 2025-10-29. Review status: criteria provided, single submitter. Criteria: Invitae Variant Classification Sherloc (09022015). Collection method: clinical testing. Allele origin: germline.
Comment: This sequence change replaces arginine, which is basic and polar, with cysteine, which is neutral and slightly polar, at codon 187 of the GORAB protein (p.Arg187Cys). This variant is present in population databases (rs368371528, gnomAD 0.02%). This variant has not been reported in the literature in individuals affected with GORAB-related conditions. An algorithm developed to predict the effect of missense changes on protein structure and function (PolyPhen-2) suggests that this variant is likely to be disruptive. In summary, the available evidence is currently insufficient to determine the role of this variant in disease. Therefore, it has been classified as a Variant of Uncertain Significance.

NM_152281.3(GORAB):c.484C>T (p.Arg162Cys)

Gene: GORAB (golgin, RAB6 interacting; plus strand). Cytogenetic location: 1q24.2.
Variant type: single nucleotide variant.
Coding change: c.484C>T on transcript NM_152281.3 (MANE Select); coding-DNA position 484, C replaced by T.
Protein change: p.Arg162Cys; replaces arginine 162 with cysteine.
Molecular consequence: missense variant. On other transcripts: non-coding transcript variant (1).
Genome position (GRCh38, 1-based): chr1:170,542,555, C>T. VCF-style: chr1-170542555-C-T. GRCh37 (hg19) VCF-style: chr1-170511696-C-T.
Other names: c.484C>T, p.Arg162Cys (NM_001146039.2); c.19C>T, p.Arg7Cys (NM_001320252.2); c.433C>T, p.Arg145Cys (NM_001410894.1); short protein forms R7C, R162C, R145C.
Identifiers: ClinVar variation 4705855 (VCV004705855.1).